The following is an entry in ClinVar:

ClinVar aggregate classification (germline): Pathogenic. Review status: criteria provided, multiple submitters, no conflicts (2 of 4 stars). 9 submissions from 9 submitters: Pathogenic (8). 1 of the submissions does not count toward it. Last evaluated 2025-10-02.

Conditions:
ATP7B-related disorder. Also called: ATP7B-related condition.
Wilson disease (WND). Also called: Wilson's disease. Identifiers: Orphanet 905, MedGen C0019202, MONDO:0010200, OMIM 277900. Disease mechanism: loss of function.

gnomAD v4.1: 3 of 1,614,206 alleles (0.00019%); highest among the groups gnomAD compares: East Asian, 0.0022%; no homozygotes.

Submissions (9):

Natera, Inc.
Classification: Pathogenic for Wilson disease. Last evaluated: 2025-10-02. Review status: criteria provided, single submitter. Criteria: Natera Variant Classification Schema (03/2026). Collection method: clinical testing. Allele origin: germline.
Comment: The c.314C>A variant in ATP7B is a nonsense variant predicted to introduce a stop codon at amino acid 105. This variant is expected to result in nonsense mediated decay, truncation, or a dysfunctional protein product. This variant is rare in the general population with a frequency below the threshold expected for the associated phenotype(s). This variant has been observed in one or more individuals affected with the associated recessive disease, as either homozygous or compound heterozygous with a second variant (PMID: 23843956). Given the available evidence, this variant is classified as Pathogenic.

Labcorp Genetics (formerly Invitae), Labcorp
Classification: Pathogenic for Wilson disease. Last evaluated: 2024-01-22. Review status: criteria provided, single submitter. Criteria: Invitae Variant Classification Sherloc (09022015). Collection method: clinical testing. Allele origin: germline.
Comment: This sequence change creates a premature translational stop signal (p.Ser105*) in the ATP7B gene. It is expected to result in an absent or disrupted protein product. Loss-of-function variants in ATP7B are known to be pathogenic (PMID: 10441329, 16283883). This variant is present in population databases (rs753236073, gnomAD 0.006%). This premature translational stop signal has been observed in individual(s) with Wilson disease (PMID: 16510432, 21796144, 29914392). It has also been observed to segregate with disease in related individuals. ClinVar contains an entry for this variant (Variation ID: 189193). For these reasons, this variant has been classified as Pathogenic.

Blueprint Genetics
Classification: Pathogenic for ATP7B-related disorders. Last evaluated: 2023-12-21. Review status: criteria provided, single submitter. Criteria: ACMG Guidelines, 2015. Collection method: clinical testing. Allele origin: germline. Affected: yes. Observed: 2 variant alleles.

GeneDx
Classification: Pathogenic. Last evaluated: 2023-12-07. Review status: criteria provided, single submitter. Criteria: GeneDx Variant Classification Process June 2021. Collection method: clinical testing. Allele origin: germline. Affected: yes.
Comment: Nonsense variant predicted to result in protein truncation or nonsense mediated decay in a gene for which loss of function is a known mechanism of disease; Not observed at significant frequency in large population cohorts (gnomAD); This variant is associated with the following publications: (PMID: 25525159, 34400371, 30275481, 34345444, 35220961, 18034201, 35029214, 16510432, 29914392, 10980554)

Mayo Clinic Laboratories, Mayo Clinic
Classification: Pathogenic. Last evaluated: 2021-09-01. Review status: criteria provided, single submitter. Criteria: ACMG Guidelines, 2015. Collection method: clinical testing. Allele origin: germline.
Comment: PM2, PVS1

Genome-Nilou Lab
Classification: Pathogenic for Wilson disease. Last evaluated: 2021-08-10. Review status: criteria provided, single submitter. Criteria: ACMG Guidelines, 2015. Collection method: clinical testing. Allele origin: germline. Affected: no.

ARUP Laboratories, Molecular Genetics and Genomics, ARUP Laboratories
Classification: Pathogenic for Wilson disease. Last evaluated: 2019-05-14. Review status: criteria provided, single submitter. Criteria: ARUP Molecular Germline Variant Investigation Process. Collection method: clinical testing. Allele origin: germline.
Comment: The ATP7B c.314C>A; p.Ser105Ter variant (rs753236073) is reported in the literature in the compound heterozygous state in individuals affected with Wilson disease (Genschel 2000, Huong 2018, Mak 2008, Wang 2011). This variant is reported as pathogenic by multiple laboratories in ClinVar (Variation ID: 189193), and is only observed twice in the Genome Aggregation Database general population database, indicating it is not a common polymorphism. This variant induces an early termination codon and is predicted to result in a truncated protein or mRNA subject to nonsense-mediated decay. Based on available information, this variant is considered to be pathogenic. References: Genschel J et al. Three novel mutations, c314C>A, C778insC, and c1285+2T>A, in exon 2 of the Wilson disease gene. Hum Mutat. 2000; 16(3):278. Huong NTM et al. Three novel mutations in the ATP7B gene of unrelated Vietnamese patients with Wilson disease. BMC Med Genet. 2018 Jun 18;19(1):104. Mak C et al. Mutational analysis of 65 Wilson disease patients in Hong Kong Chinese: identification of 17 novel mutations and its genetic heterogeneity. J Hum Genet. 2008; 53(1):55-63. Wang L et al. Mutation analysis of 73 southern Chinese Wilson's disease patients: identification of 10 novel mutations and its clinical correlation. J Hum Genet. 2011; 56(9):660-5.

Women's Health and Genetics/Laboratory Corporation of America, LabCorp
Classification: Pathogenic for Wilson disease. Last evaluated: 2016-04-25. Review status: criteria provided, single submitter. Criteria: LabCorp Variant Classification Summary - May 2015. Collection method: clinical testing. Allele origin: germline.
Comment: Variant summary: The variant c.314C>A leads to a nonsense mutation resulting in a stop codon at amino acid position 105 in the 1465 amino acid long ATP7B protein. This variant is therefore predicted to lead to a truncated or absent protein. Mutation Taster predicts disease-causing outcome for this substitution. It was observed in the large and broad cohorts of the ExAC project at an allele frequency of 0.00082% which does not exceed the maximal expected allele frequency of a disease causing ATP7B allele (0.54%). The variant was reported in several Wilson disease patients mainly from China, including compound heterozygosity with pathogenic/potentially pathogenic ATP7B variants strongly indicating a pathogenic outcome. One reputable database (HGMD) classifies the variant as pathogenic and one clinical diagnostic center also classifies it as Likely Pathogenic in ClinVar. Considering all evidence, the variant has been classified as a Disease Variant or Pathogenic.

Counsyl
Classification: Likely pathogenic for Wilson's disease. Last evaluated: 2015-02-27. Review status: no assertion criteria provided. Collection method: literature only. Allele origin: unknown. Inheritance: Autosomal recessive inheritance. Not counted in ClinVar's aggregate classification.

Literature cited by the submitters: PubMed 23843956 (cited by 3 submitters); PubMed 10441329 (cited by Labcorp Genetics (formerly Invitae), Labcorp); PubMed 16283883 (cited by Labcorp Genetics (formerly Invitae), Labcorp); PubMed 16510432 (cited by 4 submitters); PubMed 21796144 (cited by 3 submitters); PubMed 29914392 (cited by Labcorp Genetics (formerly Invitae), Labcorp and Mayo Clinic Laboratories, Mayo Clinic); PubMed 10980554 (cited by Mayo Clinic Laboratories, Mayo Clinic and Women's Health and Genetics/Laboratory Corporation of America, LabCorp); PubMed 18034201 (cited by 3 submitters); PubMed 18760268 (cited by Mayo Clinic Laboratories, Mayo Clinic); PubMed 29321352 (cited by Mayo Clinic Laboratories, Mayo Clinic); PubMed 34002136 (cited by Mayo Clinic Laboratories, Mayo Clinic); PubMed 25089800 (cited by Women's Health and Genetics/Laboratory Corporation of America, LabCorp).

NM_000053.4(ATP7B):c.314C>A (p.Ser105Ter)

Gene: ATP7B (ATPase copper transporting beta; minus strand). Cytogenetic location: 13q14.3.
Variant type: single nucleotide variant.
Coding change: c.314C>A on transcript NM_000053.4 (MANE Select); coding-DNA position 314, C replaced by A.
Protein change: p.Ser105Ter; replaces serine 105 with a stop codon.
Molecular consequence: nonsense.
Genome position (GRCh38, 1-based): chr13:51,974,906, G>T on the plus strand (C>A on the coding strand, the complement: ATP7B is on the minus strand). VCF-style: chr13-51974906-G-T. GRCh37 (hg19) VCF-style: chr13-52549042-G-T.
Other names: c.314C>A, p.Ser105Ter (NM_001005918.3, NM_001243182.2, NM_001330578.2 and 1 more transcripts); short protein forms S105*.
Identifiers: ClinVar variation 189193 (VCV000189193.36), dbSNP rs753236073, ClinGen allele CA274484.